The following is an entry in ClinVar:

NM_031885.5(BBS2):c.661del (p.Leu221fs)

Gene: BBS2 (Bardet-Biedl syndrome 2; minus strand). Cytogenetic location: 16q13.
Variant type: Deletion.
Coding change: c.661del on transcript NM_031885.5 (MANE Select); coding-DNA position 661, one base deleted (C; older notation c.661delC).
Protein change: p.Leu221fs; shifts the reading frame from leucine 221.
Molecular consequence: frameshift variant. On other transcripts: non-coding transcript variant (5).
Genome position (GRCh38, 1-based): chr16:56,506,176, G deleted on the plus strand (C on the coding strand, the reverse complement: BBS2 is on the minus strand); the first of 3 consecutive G bases (chr16:56,506,176-56,506,178); deleting any one gives the same sequence. VCF-style (leftmost placement, unchanged base first): chr16-56506175-AG-A. GRCh37 (hg19) VCF-style: chr16-56540087-AG-A.
Other names: c.661delC (NM_031885.4); c.661del, p.Leu221fs (NM_001377456.1); short protein forms L221fs.
Identifiers: ClinVar variation 208564 (VCV000208564.25), dbSNP rs770258677, ClinGen allele CA275985.

ClinVar aggregate classification (germline): Pathogenic. Review status: criteria provided, multiple submitters, no conflicts (2 of 4 stars). 11 submissions from 11 submitters: Pathogenic (9). 2 of the submissions do not count toward it. Last evaluated 2025-09-22.

Conditions:
Retinitis pigmentosa 74 (RP74). Identifiers: Orphanet 791, MedGen C4225281, MONDO:0014692, OMIM 616562.
Bardet-Biedl syndrome 2 (BBS2). Identifiers: Orphanet 110, MedGen C2936863, MONDO:0014432, OMIM 615981.
BBS2-related disorder. Also called: BBS2-related condition; BBS2-related disorders. Identifiers: MedGen CN239228.
Inborn genetic diseases. Identifiers: MedGen C0950123, MeSH D030342.
Bardet-Biedl syndrome (BBS). Identifiers: Orphanet 110, MedGen C0752166, MONDO:0015229.
Retinitis pigmentosa (RP). Identifiers: Orphanet 791, MedGen C0035334, MeSH D012174, MONDO:0019200, OMIM 268000. Inheritance: Autosomal dominant, autosomal recessive and X linked inheritance.

Submissions (11):

Natera, Inc.
Classification: Pathogenic for Bardet-Biedl syndrome type 2. Last evaluated: 2025-09-22. Review status: criteria provided, single submitter. Criteria: Natera Variant Classification Schema (03/2026). Collection method: clinical testing. Allele origin: germline.
Comment: The c.661delC variant in BBS2 is a frameshift variant predicted to shift the reading frame beginning at codon 221 and leads to a stop codon 25 codons downstream. This variant is expected to result in nonsense mediated decay, truncation, or a dysfunctional protein product. This variant is rare in the general population with a frequency below the threshold expected for the associated phenotype(s). This variant has been observed in one or more individuals affected with the associated recessive disease, as either homozygous or compound heterozygous with a second variant (PMID: 35886001). Given the available evidence, this variant is classified as Pathogenic.

Baylor Genetics
Classification: Pathogenic for Bardet-Biedl syndrome 2. Last evaluated: 2024-03-12. Review status: criteria provided, single submitter. Criteria: ACMG Guidelines, 2015. Collection method: clinical testing. Allele origin: unknown.

Fulgent Genetics
Classification: Pathogenic for Bardet-Biedl syndrome 2; Retinitis pigmentosa 74. Last evaluated: 2024-01-26. Review status: criteria provided, single submitter. Criteria: ACMG Guidelines, 2015. Collection method: clinical testing. Allele origin: germline.

Labcorp Genetics (formerly Invitae), Labcorp
Classification: Pathogenic for Bardet-Biedl syndrome. Last evaluated: 2024-01-03. Review status: criteria provided, single submitter. Criteria: Invitae Variant Classification Sherloc (09022015). Collection method: clinical testing. Allele origin: germline.
Comment: This sequence change creates a premature translational stop signal (p.Leu221Phefs*25) in the BBS2 gene. It is expected to result in an absent or disrupted protein product. Loss-of-function variants in BBS2 are known to be pathogenic (PMID: 11285252, 20177705, 24608809, 26518167). This variant is present in population databases (rs770258677, gnomAD 0.02%). This premature translational stop signal has been observed in individuals with Bardet-Biedl syndrome (PMID: 20120035). ClinVar contains an entry for this variant (Variation ID: 208564). For these reasons, this variant has been classified as Pathogenic.

Blueprint Genetics
Classification: Pathogenic for BBS2-related disorders. Last evaluated: 2023-04-25. Review status: criteria provided, single submitter. Criteria: ACMG Guidelines, 2015. Collection method: clinical testing. Allele origin: germline. Affected: yes. Observed: 2 variant alleles.

Women's Health and Genetics/Laboratory Corporation of America, LabCorp
Classification: Pathogenic for Bardet-Biedl syndrome. Last evaluated: 2022-06-06. Review status: criteria provided, single submitter. Criteria: LabCorp Variant Classification Summary - May 2015. Collection method: clinical testing. Allele origin: germline.
Comment: Variant summary: BBS2 c.661delC (p.Leu221PhefsX25) results in a premature termination codon, predicted to cause a truncation of the encoded protein or absence of the protein due to nonsense mediated decay, which are commonly known mechanisms for disease. Truncations downstream of this position have been classified as pathogenic by our laboratory. The variant allele was found at a frequency of 2e-05 in 251270 control chromosomes (gnomAD). c.661delC has been reported in the literature in both homozygous and compound heterozygous individuals affected with Bardet-Biedl Syndrome (Hjortshoj_2010). These data indicate that the variant is likely to be associated with disease. To our knowledge, no experimental evidence demonstrating an impact on protein function has been reported. Six ClinVar submitters have assessed the variant since 2014: one classified the variant as likely pathogenic and five classified the variant as pathogenic. Based on the evidence outlined above, the variant was classified as pathogenic.

Ambry Genetics
Classification: Pathogenic for Inborn genetic diseases. Last evaluated: 2021-02-23. Review status: criteria provided, single submitter. Criteria: Ambry Variant Classification Scheme 2023. Collection method: clinical testing. Allele origin: germline.
Comment: The c.661delC (p.L221Ffs*25) alteration, located in exon 6 (coding exon 6) of the BBS2 gene, consists of a deletion of one nucleotide at position 661, causing a translational frameshift with a predicted alternate stop codon after 25 amino acids. This alteration is expected to result in loss of function by premature protein truncation or nonsense-mediated mRNA decay. Based on data from gnomAD, the BBS2 c.661delC alteration has an overall frequency of <0.01% (7/282674) total alleles studied. The highest observed frequency was 0.02% (5/25080) of European (Finnish) alleles. This pathogenic alteration has been reported in multiple unrelated individuals with Bardet-Biedl syndrome (BBS) in the homozygous state or in conjunction with a second pathogenic BBS2 allele (Hjortsh&oslash;j, 2010). Based on the available evidence, this alteration is classified as pathogenic.

Institute of Medical Genetics and Applied Genomics, University Hospital Tübingen
Classification: Pathogenic. Last evaluated: 2020-10-23. Review status: criteria provided, single submitter. Criteria: ACMG Guidelines, 2015. Collection method: clinical testing. Allele origin: germline. Inheritance: Unknown mechanism. Affected: yes.

Laboratory for Molecular Medicine, Mass General Brigham Personalized Medicine
Classification: Pathogenic for Bardet-Biedl syndrome 2. Last evaluated: 2015-01-20. Review status: criteria provided, single submitter. Criteria: LMM Criteria. Collection method: clinical testing. Allele origin: germline. Inheritance: Autosomal recessive inheritance. Observed: 1 variant allele. Study: CSER-MedSeq.
Comment: The p.Leu221PhefsX25 variant in BBS2 has been reported in 1 homozygous and 2 compound heterozygous individuals with Bardet-Biedl syndrome (BBS; Hjortshøj 2010). This variant has been identified in 0.03% (2/6592) of European (Finnish) chromosomes by the Exome Aggregation Consortium (ExAC). Although this variant has been seen in the general population, its frequency is low enough to be consistent with a recessive carrier frequency. This variant is predicted to cause a frameshift, which alters the protein’s amino acid sequence beginning at position 221 and leads to a premature termination codon 25 amino acids downstream. This alteration is then predicted to lead to a truncated or absent protein. Complete loss of BBS2 function is an established disease mechanism in BBS. In summary, this variant meets our criteria to be classified as pathogenic for BBS in an autosomal recessive manner.

Department of Clinical Genetics, Copenhagen University Hospital, Rigshospitalet
Classification: Pathogenic for Retinitis pigmentosa. Last evaluated: 2018-04-01. Review status: no assertion criteria provided. Collection method: research. Allele origin: unknown. Affected: yes. Study: VeluxRD. Not counted in ClinVar's aggregate classification.

Counsyl
Classification: Likely pathogenic for Bardet-Biedl syndrome 2. Last evaluated: 2017-03-15. Review status: no assertion criteria provided. Collection method: clinical testing. Allele origin: unknown. Not counted in ClinVar's aggregate classification.

Literature cited by the submitters: PubMed 35886001 (cited by Natera, Inc.); PubMed 11285252 (cited by Labcorp Genetics (formerly Invitae), Labcorp); PubMed 20177705 (cited by Labcorp Genetics (formerly Invitae), Labcorp); PubMed 24608809 (cited by Labcorp Genetics (formerly Invitae), Labcorp); PubMed 26518167 (cited by Labcorp Genetics (formerly Invitae), Labcorp); PubMed 20120035 (cited by 5 submitters); PubMed 30718709 (cited by Women's Health and Genetics/Laboratory Corporation of America, LabCorp and Department of Clinical Genetics, Copenhagen University Hospital, Rigshospitalet).